The following is an entry in ClinVar:

ClinVar aggregate classification (germline): Pathogenic (1 of 4 stars; one submission).

Conditions:
Familial thoracic aortic aneurysm and aortic dissection (TAAD). Also called: Thoracic aortic aneurysms and dissections. Identifiers: Orphanet 91387, MedGen C4707243, MONDO:0019625.
Marfan syndrome (MFS). Also called: Marfan syndrome, classic; Marfan syndrome type 1; Marfan's syndrome; FBN1-Related Marfan Syndrome; MARFAN SYNDROME, TYPE I. Identifiers: Orphanet 284963, Orphanet 558, MedGen C0024796, MONDO:0007947, OMIM 154700.

Submission:

Labcorp Genetics (formerly Invitae), Labcorp
Classification: Pathogenic for Marfan syndrome; Familial thoracic aortic aneurysm and aortic dissection. Last evaluated: 2022-08-09. Review status: criteria provided, single submitter. Criteria: Invitae Variant Classification Sherloc (09022015). Collection method: clinical testing. Allele origin: germline.
Comment: For these reasons, this variant has been classified as Pathogenic. ClinVar contains an entry for this variant (Variation ID: 950674). A different variant (c.660_661delCT) giving rise to the same protein effect has been determined to be pathogenic (PMID: 25652356). This suggests that this variant is also likely to be causative of disease. This variant is not present in population databases (gnomAD no frequency). This sequence change creates a premature translational stop signal (p.Cys221*) in the FBN1 gene. It is expected to result in an absent or disrupted protein product. Loss-of-function variants in FBN1 are known to be pathogenic (PMID: 17657824, 19293843).

Literature cited by the submitters: PubMed 25652356; PubMed 17657824; PubMed 19293843.

NM_000138.5(FBN1):c.663_664del (p.Cys221_Glu222delinsTer)

Gene: FBN1 (fibrillin 1; minus strand). Cytogenetic location: 15q21.1.
Variant type: Microsatellite.
Coding change: c.663_664del on transcript NM_000138.5 (MANE Select); coding-DNA positions 663 to 664, 2 bases deleted (TG; older notation c.663_664delTG).
Protein change: p.Cys221_Glu222delinsTer.
Molecular consequence: nonsense.
Genome position (GRCh38, 1-based): chr15:48,537,683-48,537,684, CA deleted on the plus strand (TG on the coding strand, the reverse complement: FBN1 is on the minus strand); deleting any 2 consecutive bases within chr15:48,537,683-48,537,686 gives the same sequence; the c. name uses the placement nearest the transcript's 3' end. VCF-style (leftmost placement, unchanged base first): chr15-48537682-TCA-T. GRCh37 (hg19) VCF-style: chr15-48829879-TCA-T.
Identifiers: ClinVar variation 950674 (VCV000950674.9), dbSNP rs2044025276, ClinGen allele CA2175539381.